The following is an entry in ClinVar:

NM_032043.3(BRIP1):c.2170A>G (p.Ile724Val)

Gene: BRIP1 (BRCA1 interacting DNA helicase 1; minus strand). Cytogenetic location: 17q23.2.
Variant type: single nucleotide variant.
Coding change: c.2170A>G on transcript NM_032043.3 (MANE Select); coding-DNA position 2170, A replaced by G.
Protein change: p.Ile724Val; replaces isoleucine 724 with valine.
Molecular consequence: missense variant.
Genome position (GRCh38, 1-based): chr17:61,744,519, T>C on the plus strand (A>G on the coding strand, the complement: BRIP1 is on the minus strand). VCF-style: chr17-61744519-T-C. GRCh37 (hg19) VCF-style: chr17-59821880-T-C.
Other names: short protein forms I724V.
Identifiers: ClinVar variation 2946335 (VCV002946335.3), dbSNP rs2077032430, ClinGen allele CA400483116.

ClinVar aggregate classification (germline): Uncertain significance (1 of 4 stars; one submission).

Conditions:
Fanconi anemia complementation group J. Also called: BRIP1-Related Fanconi Anemia. Identifiers: Orphanet 84, MedGen C1836860, MONDO:0012187, OMIM 609054.
Familial cancer of breast. Also called: BREAST CANCER, FAMILIAL; Hereditary breast cancer; hereditary breast carcinoma. Identifiers: Orphanet 227535, MedGen C0346153, MONDO:0016419, OMIM 114480. Disease mechanism: loss of function.

Submission:

Labcorp Genetics (formerly Invitae), Labcorp
Classification: Uncertain significance for Familial cancer of breast; Fanconi anemia complementation group J. Last evaluated: 2023-04-08. Review status: criteria provided, single submitter. Criteria: Invitae Variant Classification Sherloc (09022015). Collection method: clinical testing. Allele origin: germline.
Comment: In summary, the available evidence is currently insufficient to determine the role of this variant in disease. Therefore, it has been classified as a Variant of Uncertain Significance. This sequence change replaces isoleucine, which is neutral and non-polar, with valine, which is neutral and non-polar, at codon 724 of the BRIP1 protein (p.Ile724Val). This variant is not present in population databases (gnomAD no frequency). This variant has not been reported in the literature in individuals affected with BRIP1-related conditions. Advanced modeling of protein sequence and biophysical properties (such as structural, functional, and spatial information, amino acid conservation, physicochemical variation, residue mobility, and thermodynamic stability) performed at Invitae indicates that this missense variant is not expected to disrupt BRIP1 protein function.